The following is an entry in ClinVar:

NM_002397.5(MEF2C):c.308C>A (p.Ala103Glu)

Gene: MEF2C (myocyte enhancer factor 2C; minus strand). Cytogenetic location: 5q14.3.
Variant type: single nucleotide variant.
Coding change: c.308C>A on transcript NM_002397.5 (MANE Select); coding-DNA position 308, C replaced by A.
Protein change: p.Ala103Glu; replaces alanine 103 with glutamic acid.
Molecular consequence: missense variant. On other transcripts: 5 prime UTR variant (2), intron variant (10).
Genome position (GRCh38, 1-based): chr5:88,761,279, G>T on the plus strand (C>A on the coding strand, the complement: MEF2C is on the minus strand). VCF-style: chr5-88761279-G-T. GRCh37 (hg19) VCF-style: chr5-88057096-G-T.
Other names: c.308C>A, p.Ala103Glu (NM_001193347.1, NM_001193350.2, NM_001308002.3 and 20 more transcripts); c.-71C>A (NM_001364353.2, NM_001364356.2); c.259-9236C>A (NM_001364344.2, NM_001364354.2, NM_001364332.2 and 3 more transcripts); c.259-154C>A (NM_001131005.2, NM_001364352.2, NM_001364343.2); c.-24-9236C>A (NM_001364357.2); short protein forms A103E.
Identifiers: ClinVar variation 3257356 (VCV003257356.17).

ClinVar aggregate classification (germline): Uncertain significance (1 of 4 stars; one submission).

Submission:

CeGaT Center for Human Genetics Tuebingen
Classification: Uncertain significance. Last evaluated: 2026-03-01. Review status: criteria provided, single submitter. Criteria: CeGaT Center For Human Genetics Tuebingen Variant Classification Criteria Version 2. Collection method: clinical testing. Allele origin: germline. Affected: yes. Observed: 2 variant alleles.
Comment: MEF2C: PM2, PP3